The following is an entry in ClinVar:

NM_006348.5(COG5):c.1A>G (p.Met1Val)

Gene: COG5 (component of oligomeric golgi complex 5; minus strand). Cytogenetic location: 7q22.3.
Variant type: single nucleotide variant.
Coding change: c.1A>G on transcript NM_006348.5 (MANE Select); coding-DNA position 1, A replaced by G.
Protein change: p.Met1Val; changes the start codon (methionine 1).
Molecular consequence: missense variant, initiator codon variant.
Genome position (GRCh38, 1-based): chr7:107,563,896, T>C on the plus strand (A>G on the coding strand, the complement: COG5 is on the minus strand). VCF-style: chr7-107563896-T-C. GRCh37 (hg19) VCF-style: chr7-107204341-T-C.
Other names: c.94A>G (NM_006348.3); c.1A>G, p.Met1Val (NM_001161520.2, NM_001379511.1, NM_001379512.1 and 5 more transcripts); short protein forms M1V.
Identifiers: ClinVar variation 1407343 (VCV001407343.4), dbSNP rs1804241289, ClinGen allele CA368826578.

ClinVar aggregate classification (germline): Uncertain significance. Review status: criteria provided, multiple submitters, no conflicts (2 of 4 stars). 2 submissions from 2 submitters: Uncertain significance (2). Last evaluated 2024-01-29.

Conditions:
COG5-congenital disorder of glycosylation. Also called: CONGENITAL DISORDER OF GLYCOSYLATION, TYPE IIi; CDG IIi; COG5-CDG. Identifiers: Orphanet 263487, MedGen C3150876, MONDO:0013325, OMIM 613612.
Inborn genetic diseases. Identifiers: MedGen C0950123, MeSH D030342.

Allele frequency attached by ClinVar (database versions not stated): gnomAD exomes 0.00001; TOPMed 0.00001.

Submissions (2):

Ambry Genetics
Classification: Uncertain significance for Inborn genetic diseases. Last evaluated: 2024-01-29. Review status: criteria provided, single submitter. Criteria: Ambry Variant Classification Scheme 2023. Collection method: clinical testing. Allele origin: germline.

Labcorp Genetics (formerly Invitae), Labcorp
Classification: Uncertain significance for COG5-congenital disorder of glycosylation. Last evaluated: 2022-05-12. Review status: criteria provided, single submitter. Criteria: Invitae Variant Classification Sherloc (09022015). Collection method: clinical testing. Allele origin: germline.
Comment: This sequence change replaces methionine, which is neutral and non-polar, with valine, which is neutral and non-polar, at codon 32 of the COG5 protein (p.Met32Val). This variant is not present in population databases (gnomAD no frequency). This variant has not been reported in the literature in individuals affected with COG5-related conditions. Algorithms developed to predict the effect of missense changes on protein structure and function are either unavailable or do not agree on the potential impact of this missense change (SIFT: "Deleterious"; PolyPhen-2: "Benign"; Align-GVGD: "Class C0"). In summary, the available evidence is currently insufficient to determine the role of this variant in disease. Therefore, it has been classified as a Variant of Uncertain Significance.